The following is an entry in ClinVar:

NM_004100.5(EYA4):c.1907T>G (p.Leu636Ter)

Genes: EYA4 (EYA transcriptional coactivator and phosphatase 4; plus strand), TARID (TCF21 antisense RNA inducing promoter demethylation; minus strand). Cytogenetic location: 6q23.2.
Variant type: single nucleotide variant.
Coding change: c.1907T>G on transcript NM_004100.5 (MANE Select); coding-DNA position 1907, T replaced by G.
Protein change: p.Leu636Ter; replaces leucine 636 with a stop codon.
Molecular consequence: nonsense.
Genome position (GRCh38, 1-based): chr6:133,528,792, T>G. VCF-style: chr6-133528792-T-G. GRCh37 (hg19) VCF-style: chr6-133849930-T-G.
Other names: c.1745T>G, p.Leu582Ter (NM_001301012.2); c.1925T>G, p.Leu642Ter (NM_001301013.2); c.1838T>G, p.Leu613Ter (NM_001370458.1, NM_172103.4); c.1763T>G, p.Leu588Ter (NM_001370459.1); c.1907T>G, p.Leu636Ter (NM_172105.4); short protein forms L588*, L613*, L636*, L642*, L582*.
Identifiers: ClinVar variation 2761099 (VCV002761099.3), dbSNP rs2535562904, ClinGen allele CA365703315.
Genomic context (GRCh38, chr6:133,528,792, plus strand): 5'-TGCCCTTCTGGAGGATATCCAGTCACTCAGACCTCCTGGCTCTCCACCAAGCACTGGAAT[T>G]AGAGTATTTGTAACTGTGTTCTTTAGCCGGAGATCCATTTTTTATATTTCAAGTACACTG-3'

ClinVar aggregate classification (germline): Uncertain significance (1 of 4 stars; one submission).

Conditions:
Dilated cardiomyopathy 1J (CMD1J). Also called: CARDIOMYOPATHY, DILATED, WITH SENSORINEURAL HEARING LOSS, AUTOSOMAL DOMINANT. Identifiers: Orphanet 217622, MedGen C1854368, MONDO:0011541, OMIM 605362.

Submission:

Labcorp Genetics (formerly Invitae), Labcorp
Classification: Uncertain significance for Dilated cardiomyopathy 1J. Last evaluated: 2023-09-17. Review status: criteria provided, single submitter. Criteria: Invitae Variant Classification Sherloc (09022015). Collection method: clinical testing. Allele origin: germline.
Comment: This sequence change creates a premature translational stop signal (p.Leu636*) in the EYA4 gene. While this is not anticipated to result in nonsense mediated decay, it is expected to disrupt the last 4 amino acid(s) of the EYA4 protein. This variant is not present in population databases (gnomAD no frequency). This variant has not been reported in the literature in individuals affected with EYA4-related conditions. Experimental studies and prediction algorithms are not available or were not evaluated, and the functional significance of this variant is currently unknown. In summary, the available evidence is currently insufficient to determine the role of this variant in disease. Therefore, it has been classified as a Variant of Uncertain Significance.